The following is an entry in ClinVar:

ClinVar aggregate classification (germline): Uncertain significance (1 of 4 stars; one submission).

Allele frequency attached by ClinVar (database versions not stated): ExAC 0.00004; gnomAD 0.00005; TOPMed 0.00006; ESP Exome Variant Server 0.00008.
gnomAD v4.1: 141 of 1,614,106 alleles (0.0087%); highest among the groups gnomAD compares: Non-Finnish European, 0.011%; no homozygotes.

Submission:

Labcorp Genetics (formerly Invitae), Labcorp
Classification: Uncertain significance. Last evaluated: 2024-04-18. Review status: criteria provided, single submitter. Criteria: Invitae Variant Classification Sherloc (09022015). Collection method: clinical testing. Allele origin: germline.
Comment: This sequence change affects codon 333 of the NECTIN4 mRNA. It is a 'silent' change, meaning that it does not change the encoded amino acid sequence of the NECTIN4 protein. It affects a nucleotide within the consensus splice site. This variant is present in population databases (rs377393811, gnomAD 0.01%). This variant has not been reported in the literature in individuals affected with NECTIN4-related conditions. Algorithms developed to predict the effect of sequence changes on RNA splicing suggest that this variant is not likely to affect RNA splicing. In summary, the available evidence is currently insufficient to determine the role of this variant in disease. Therefore, it has been classified as a Variant of Uncertain Significance.

NM_030916.3(NECTIN4):c.999T>C (p.Leu333=)

Gene: NECTIN4 (nectin cell adhesion molecule 4; minus strand). Cytogenetic location: 1q23.3.
Variant type: single nucleotide variant.
Coding change: c.999T>C on transcript NM_030916.3 (MANE Select); coding-DNA position 999, T replaced by C.
Protein change: p.Leu333=; no amino-acid change (leucine 333 retained).
Molecular consequence: synonymous variant.
Genome position (GRCh38, 1-based): chr1:161,074,612, A>G on the plus strand (T>C on the coding strand, the complement: NECTIN4 is on the minus strand). VCF-style: chr1-161074612-A-G. GRCh37 (hg19) VCF-style: chr1-161044402-A-G.
Identifiers: ClinVar variation 2901714 (VCV002901714.3), dbSNP rs377393811, ClinGen allele CA1204954.